The following is an entry in ClinVar:

NM_014915.3(ANKRD26):c.1631C>T (p.Pro544Leu)

Gene: ANKRD26 (ankyrin repeat domain containing 26; minus strand). Cytogenetic location: 10p12.1.
Variant type: single nucleotide variant.
Coding change: c.1631C>T on transcript NM_014915.3 (MANE Select); coding-DNA position 1631, C replaced by T.
Protein change: p.Pro544Leu; replaces proline 544 with leucine.
Molecular consequence: missense variant.
Genome position (GRCh38, 1-based): chr10:27,053,324, G>A on the plus strand (C>T on the coding strand, the complement: ANKRD26 is on the minus strand). VCF-style: chr10-27053324-G-A. GRCh37 (hg19) VCF-style: chr10-27342253-G-A.
Other names: c.1631C>T, p.Pro544Leu (NM_001256053.2); short protein forms P544L.
Identifiers: ClinVar variation 3913166 (VCV003913166.1).

ClinVar aggregate classification (germline): Uncertain significance (1 of 4 stars; one submission).

Conditions:
Inborn genetic diseases. Identifiers: MedGen C0950123, MeSH D030342.

gnomAD v4.1: 1 of 1,602,442 alleles (0.000062%); highest among the groups gnomAD compares: South Asian, 0.0011%; no homozygotes.

Submission:

Ambry Genetics
Classification: Uncertain significance for Inborn genetic diseases. Last evaluated: 2025-03-22. Review status: criteria provided, single submitter. Criteria: Ambry Variant Classification Scheme 2023. Collection method: clinical testing. Allele origin: germline.
Comment: The p.P544L variant (also known as c.1631C>T), located in coding exon 16 of the ANKRD26 gene, results from a C to T substitution at nucleotide position 1631. The proline at codon 544 is replaced by leucine, an amino acid with similar properties. This amino acid position is conserved. In addition, this alteration is predicted to be tolerated by in silico analysis. Based on the available evidence, the clinical significance of this variant remains unclear.